The following is an entry in ClinVar:

NM_004310.5(RHOH):c.188A>T (p.Asp63Val)

Gene: RHOH (ras homolog family member H; plus strand). Cytogenetic location: 4p14.
Variant type: single nucleotide variant.
Coding change: c.188A>T on transcript NM_004310.5 (MANE Select); coding-DNA position 188, A replaced by T.
Protein change: p.Asp63Val; replaces aspartic acid 63 with valine.
Molecular consequence: missense variant.
Genome position (GRCh38, 1-based): chr4:40,243,574, A>T. VCF-style: chr4-40243574-A-T. GRCh37 (hg19) VCF-style: chr4-40245194-A-T.
Other names: c.188A>T, p.Asp63Val (NM_001278359.2, NM_001278360.2, NM_001278361.2 and 8 more transcripts); short protein forms D63V.
Identifiers: ClinVar variation 1490780 (VCV001490780.6), dbSNP rs2109590422, ClinGen allele CA356782057.
Genomic context (GRCh38, chr4:40,243,574, plus strand): 5'-TGGACGTCTTCATGGATGGCATCCAGATCAGCCTGGGCCTCTGGGACACAGCCGGCAATG[A>T]CGCCTTCAGAAGCATCCGGCCCCTGTCCTACCAGCAGGCAGACGTGGTGCTGATGTGCTA-3'
Protein context (NP_004301.1, residues 53-73): SLGLWDTAGN[Asp63Val]AFRSIRPLSY

ClinVar aggregate classification (germline): Uncertain significance (1 of 4 stars; one submission).

Conditions:
T-cell immunodeficiency with epidermodysplasia verruciformis. Identifiers: Orphanet 324294, MedGen C4749500, MONDO:0017925.

Submission:

Labcorp Genetics (formerly Invitae), Labcorp
Classification: Uncertain significance for T-cell immunodeficiency with epidermodysplasia verruciformis. Last evaluated: 2022-06-27. Review status: criteria provided, single submitter. Criteria: Invitae Variant Classification Sherloc (09022015). Collection method: clinical testing. Allele origin: germline.
Comment: This sequence change replaces aspartic acid, which is acidic and polar, with valine, which is neutral and non-polar, at codon 63 of the RHOH protein (p.Asp63Val). This variant is not present in population databases (gnomAD no frequency). This variant has not been reported in the literature in individuals affected with RHOH-related conditions. Algorithms developed to predict the effect of missense changes on protein structure and function (SIFT, PolyPhen-2, Align-GVGD) all suggest that this variant is likely to be disruptive. In summary, the available evidence is currently insufficient to determine the role of this variant in disease. Therefore, it has been classified as a Variant of Uncertain Significance.